The following is an entry in ClinVar:

NM_001127644.2(GABRA1):c.474G>A (p.Met158Ile)

Gene: GABRA1 (gamma-aminobutyric acid type A receptor subunit alpha1; plus strand). Cytogenetic location: 5q34.
Variant type: single nucleotide variant.
Coding change: c.474G>A on transcript NM_001127644.2 (MANE Select); coding-DNA position 474, G replaced by A.
Protein change: p.Met158Ile; replaces methionine 158 with isoleucine.
Molecular consequence: missense variant.
Genome position (GRCh38, 1-based): chr5:161,873,335, G>A. VCF-style: chr5-161873335-G-A. GRCh37 (hg19) VCF-style: chr5-161300341-G-A.
Other names: c.474G>A, p.Met158Ile (NM_000806.5, NM_001127643.2, NM_001127645.2 and 1 more transcripts); short protein forms M158I.
Identifiers: ClinVar variation 1023588 (VCV001023588.10), dbSNP rs1754206052, ClinGen allele CA362179160.
Genomic context (GRCh38, chr5:161,873,335, plus strand): 5'-CATGACCATGCCCAACAAACTCCTGCGGATCACAGAGGATGGCACCTTGCTGTACACCAT[G>A]AGGTAAGGATGGCTGCACTGCCATTCATGAATGTTTCTGTACTTCATTCCCTTCCACTTG-3'
Protein context (NP_001121116.1, residues 148-168): ITEDGTLLYT[Met158Ile]RLTVRAECPM

ClinVar aggregate classification (germline): Uncertain significance. Review status: criteria provided, multiple submitters, no conflicts (2 of 4 stars). 2 submissions from 2 submitters: Uncertain significance (2). Last evaluated 2025-07-14.

Conditions:
Idiopathic generalized epilepsy. Also called: Generalised epilepsy; EIG. Identifiers: MedGen C0270850, MONDO:0005579, OMIM 600669.
Epilepsy, idiopathic generalized, susceptibility to, 13. Also called: EPILEPSY, JUVENILE MYOCLONIC, SUSCEPTIBILITY TO, 5. Identifiers: Orphanet 307, Orphanet 64280, MedGen C4013473, MONDO:0012627, OMIM 611136.
Epilepsy, childhood absence 4 (ECA4). Also called: EPILEPSY, CHILDHOOD ABSENCE, SUSCEPTIBILITY TO, 4. Identifiers: Orphanet 307, MedGen C1970160.

Submissions (2):

GeneDx
Classification: Uncertain significance. Last evaluated: 2025-07-14. Review status: criteria provided, single submitter. Criteria: GeneDx Variant Classification Process June 2021. Collection method: clinical testing. Allele origin: germline.
Comment: Not observed at significant frequency in large population cohorts (gnomAD); In silico analysis supports that this missense variant has a deleterious effect on protein structure/function; Has not been previously published as pathogenic or benign to our knowledge

Labcorp Genetics (formerly Invitae), Labcorp
Classification: Uncertain significance for Epilepsy, childhood absence 4; Epilepsy, idiopathic generalized, susceptibility to, 13; Idiopathic generalized epilepsy. Last evaluated: 2024-03-07. Review status: criteria provided, single submitter. Criteria: Invitae Variant Classification Sherloc (09022015). Collection method: clinical testing. Allele origin: germline.
Comment: This sequence change replaces methionine, which is neutral and non-polar, with isoleucine, which is neutral and non-polar, at codon 158 of the GABRA1 protein (p.Met158Ile). This variant is not present in population databases (gnomAD no frequency). This missense change has been observed in individual(s) with clinical features of GABRA1-related conditions (Invitae). It has also been observed to segregate with disease in related individuals. ClinVar contains an entry for this variant (Variation ID: 1023588). An algorithm developed to predict the effect of missense changes on protein structure and function (PolyPhen-2) suggests that this variant is likely to be tolerated. In summary, the available evidence is currently insufficient to determine the role of this variant in disease. Therefore, it has been classified as a Variant of Uncertain Significance.